The following is an entry in ClinVar:

NM_020207.7(ERCC6L2):c.3443T>C (p.Leu1148Ser)

Gene: ERCC6L2 (ERCC excision repair 6 like 2; plus strand). Cytogenetic location: 9q22.32.
Variant type: single nucleotide variant.
Coding change: c.3443T>C on transcript NM_020207.7 (MANE Select); coding-DNA position 3443, T replaced by C.
Protein change: p.Leu1148Ser; replaces leucine 1148 with serine.
Molecular consequence: missense variant. On other transcripts: non-coding transcript variant (1).
Genome position (GRCh38, 1-based): chr9:95,978,166, T>C. VCF-style: chr9-95978166-T-C. GRCh37 (hg19) VCF-style: chr9-98740448-T-C.
Other names: c.3443T>C, p.Leu1148Ser (NM_001375291.1, NM_001375292.1, NM_001375293.1 and 1 more transcripts); short protein forms L1148S.
Identifiers: ClinVar variation 3009885 (VCV003009885.3), dbSNP rs1350136551, ClinGen allele CA466113487.

ClinVar aggregate classification (germline): Uncertain significance (1 of 4 stars; one submission).

Allele frequency attached by ClinVar (database versions not stated): TOPMed 0.00001.

Submission:

Labcorp Genetics (formerly Invitae), Labcorp
Classification: Uncertain significance. Last evaluated: 2023-02-22. Review status: criteria provided, single submitter. Criteria: Invitae Variant Classification Sherloc (09022015). Collection method: clinical testing. Allele origin: germline.
Comment: This variant is not present in population databases (gnomAD no frequency). In summary, the available evidence is currently insufficient to determine the role of this variant in disease. Therefore, it has been classified as a Variant of Uncertain Significance. Experimental studies and prediction algorithms are not available or were not evaluated, and the functional significance of this variant is currently unknown. This variant has not been reported in the literature in individuals affected with ERCC6L2-related conditions. This sequence change replaces leucine, which is neutral and non-polar, with serine, which is neutral and polar, at codon 1159 of the ERCC6L2 protein (p.Leu1159Ser).